The following is an entry in ClinVar:

ClinVar aggregate classification (germline): Pathogenic/Likely pathogenic. Review status: criteria provided, multiple submitters, no conflicts (2 of 4 stars). 4 submissions from 4 submitters: Pathogenic (3); Likely pathogenic (1). Last evaluated 2026-07-28.

Conditions:
Renal tubulopathies.
Liddle syndrome 1 (LIDLS1). Also called: PSEUDOALDOSTERONISM. Identifiers: Orphanet 526, MedGen CN031472, MONDO:0020607, OMIM 177200.
Pseudohypoaldosteronism, type IB2, autosomal recessive (PHA1B2). Identifiers: MedGen C5774255, MONDO:0859317, OMIM 620125.
Bronchiectasis with or without elevated sweat chloride 1 (BESC1). Also called: Cystic Fibrosis-Like Syndrome. Identifiers: Orphanet 60033, MedGen C2749757, MONDO:0008887, OMIM 211400.

Allele frequency attached by ClinVar (database versions not stated): gnomAD exomes below 0.00001; ExAC 0.00001; gnomAD 0.00001; 1000 Genomes Project 30x 0.00016; 1000 Genomes Project 0.00020.
gnomAD v4.1: 1 of 1,612,638 alleles (0.000062%); highest among the groups gnomAD compares: African/African-American, 0.0013%; no homozygotes.

Submissions (4):

Genetics Laboratory, Great Ormond Street Hospital NHS Foundation Trust, North Thames Genomic Laboratory Hub
Classification: Pathogenic for Renal tubulopathies. Last evaluated: 2026-07-28. Review status: criteria provided, single submitter. Criteria: ACGS Best Practice Guidelines for Variant Classification in Rare Disease 2024 v1.2. Collection method: clinical testing. Allele origin: germline. Affected: yes.
Comment: PS4_moderate, PM2_moderate, PP3_supporting, PM1_moderate, PP1_strong

MVZ Medizinische Genetik Mainz
Classification: Pathogenic for Liddle syndrome 1. Last evaluated: 2025-07-17. Review status: criteria provided, single submitter. Criteria: UK Practice Guidelines For Variant Classification V4 01 2020. Collection method: clinical testing. Allele origin: germline. Inheritance: Autosomal dominant inheritance. Affected: yes. Observed: 1 variant allele.
Comment: ACMG Criteria: PP1_STR,PS4_MOD,PM1,PM5,PP3_MOD,PM2_SUP,PP4

Fulgent Genetics
Classification: Likely pathogenic for Liddle syndrome 1; Bronchiectasis with or without elevated sweat chloride 1; Pseudohypoaldosteronism, type IB2, autosomal recessive. Last evaluated: 2024-06-17. Review status: criteria provided, single submitter. Criteria: ACMG Guidelines, 2015. Collection method: clinical testing. Allele origin: germline.

Athena Diagnostics
Classification: Pathogenic. Last evaluated: 2019-06-20. Review status: criteria provided, single submitter. Criteria: Athena Diagnostics Criteria. Collection method: clinical testing. Allele origin: germline.
Comment: The best available variant frequency is uninformative because there are too few occurrences in population data. Found in at least one symptomatic patient. Predicted to have a damaging effect on the protein. Located in potentially critical domain of the protein. Two other pathogenic or likely pathogenic variants affect the same amino acid. Statistically associated with disease in multiple families (p < 0.05).

Literature cited by the submitters: PubMed 22863163 (cited by Athena Diagnostics); PubMed 26075967 (cited by Athena Diagnostics); PubMed 21956615 (cited by Athena Diagnostics); PubMed 9794716 (cited by Athena Diagnostics); PubMed 22613642 (cited by Athena Diagnostics).

NM_000336.3(SCNN1B):c.1852C>T (p.Pro618Ser)

Gene: SCNN1B (sodium channel epithelial 1 subunit beta; plus strand). Cytogenetic location: 16p12.2.
Variant type: single nucleotide variant.
Coding change: c.1852C>T on transcript NM_000336.3 (MANE Select); coding-DNA position 1852, C replaced by T.
Protein change: p.Pro618Ser; replaces proline 618 with serine.
Molecular consequence: missense variant.
Genome position (GRCh38, 1-based): chr16:23,380,730, C>T. VCF-style: chr16-23380730-C-T. GRCh37 (hg19) VCF-style: chr16-23392051-C-T.
Other names: short protein forms P618S.
Identifiers: ClinVar variation 805492 (VCV000805492.4), dbSNP rs536187488, ClinGen allele CA7960658.
Genomic context (GRCh38, chr16:23,380,730, plus strand): 5'-AGCCCCAACACTGGGCCCTACCCCAGTGAGCAGGCCCTGCCCATCCCAGGCACCCCGCCC[C>T]CCAACTATGACTCCCTGCGTCTGCAGCCGCTGGACGTCATCGAGTCTGACAGTGAGGGTG-3'
Protein context (NP_000327.2, residues 608-628): QALPIPGTPP[Pro618Ser]NYDSLRLQPL